The following is an entry in ClinVar:

NM_002296.4(LBR):c.1315-10A>G

Gene: LBR (lamin B receptor; minus strand). Cytogenetic location: 1q42.12.
Variant type: single nucleotide variant.
Coding change: c.1315-10A>G on transcript NM_002296.4 (MANE Select); 10 bases into the intron before coding-DNA position 1315, A replaced by G.
Molecular consequence: intron variant.
Genome position (GRCh38, 1-based): chr1:225,406,842, T>C on the plus strand (A>G on the coding strand, the complement: LBR is on the minus strand). VCF-style: chr1-225406842-T-C. GRCh37 (hg19) VCF-style: chr1-225594544-T-C.
Other names: c.1315-10A>G (NM_194442.3).
Identifiers: ClinVar variation 732559 (VCV000732559.17), dbSNP rs372673408, ClinGen allele CA1417172.

ClinVar aggregate classification (germline): Conflicting classifications of pathogenicity. Review status: criteria provided, conflicting classifications (1 of 4 stars). 4 submissions from 4 submitters: Uncertain significance (1); Likely benign (2). 1 of the submissions does not count toward it. Last evaluated 2025-11-12.

Conditions:
Greenberg dysplasia (GRBGD). Also called: CHONDRODYSTROPHY, HYDROPIC AND PRENATALLY LETHAL TYPE; HEM SKELETAL DYSPLASIA; MOTH-EATEN SKELETAL DYSPLASIA. Identifiers: Orphanet 1426, MedGen C2931048, MONDO:0008974, OMIM 215140.
LBR-related disorder. Also called: LBR-related condition; LBR-related disorders.

Allele frequency attached by ClinVar (database versions not stated): TOPMed 0.00022; ExAC 0.00026; ESP Exome Variant Server 0.00031.
gnomAD v4.1: 418 of 1,613,494 alleles (0.026%); highest among the groups gnomAD compares: Non-Finnish European, 0.033%; no homozygotes.

Submissions (4):

Labcorp Genetics (formerly Invitae), Labcorp
Classification: Likely benign. Last evaluated: 2025-11-12. Review status: criteria provided, single submitter. Criteria: Invitae Variant Classification Sherloc (09022015). Collection method: clinical testing. Allele origin: germline.

Blueprint Genetics
Classification: Likely benign. Last evaluated: 2024-11-11. Review status: criteria provided, single submitter. Criteria: ACMG Guidelines, 2015. Collection method: clinical testing. Allele origin: germline.

Illumina Laboratory Services, Illumina
Classification: Uncertain significance for Greenberg dysplasia. Last evaluated: 2018-01-15. Review status: criteria provided, single submitter. Criteria: ICSL Variant Classification Criteria 13 December 2019. Collection method: clinical testing. Allele origin: germline.

PreventionGenetics, part of Exact Sciences
Classification: Likely benign for LBR-related condition. Last evaluated: 2019-10-16. Review status: no assertion criteria provided. Collection method: clinical testing. Allele origin: germline. Not counted in ClinVar's aggregate classification.
Comment: This variant is classified as likely benign based on ACMG/AMP sequence variant interpretation guidelines (Richards et al. 2015 PMID: 25741868, with internal and published modifications).